The following is an entry in ClinVar:

ClinVar aggregate classification (germline): Uncertain significance. Review status: criteria provided, multiple submitters, no conflicts (2 of 4 stars). 2 submissions from 2 submitters: Uncertain significance (2). Last evaluated 2025-10-27.

Allele frequency attached by ClinVar (database versions not stated): ExAC 0.00005; gnomAD exomes 0.00006 and 0.00009; gnomAD 0.00012 and 0.00013; TOPMed 0.00012; 1000 Genomes Project 0.00020; 1000 Genomes Project 30x 0.00031.
gnomAD v4.1: 145 of 1,614,090 alleles (0.009%); highest among the groups gnomAD compares: Non-Finnish European, 0.011%; no homozygotes.

Submissions (2):

Labcorp Genetics (formerly Invitae), Labcorp
Classification: Uncertain significance. Last evaluated: 2025-10-27. Review status: criteria provided, single submitter. Criteria: Invitae Variant Classification Sherloc (09022015). Collection method: clinical testing. Allele origin: germline.
Comment: This sequence change replaces proline, which is neutral and non-polar, with leucine, which is neutral and non-polar, at codon 214 of the IRF9 protein (p.Pro214Leu). This variant is present in population databases (rs200167126, gnomAD 0.03%). This variant has not been reported in the literature in individuals affected with IRF9-related conditions. ClinVar contains an entry for this variant (Variation ID: 1483874). An algorithm developed to predict the effect of missense changes on protein structure and function outputs the following: PolyPhen-2: "Benign". The leucine amino acid residue is found in multiple mammalian species, which suggests that this missense change does not adversely affect protein function. In summary, the available evidence is currently insufficient to determine the role of this variant in disease. Therefore, it has been classified as a Variant of Uncertain Significance.

Ambry Genetics
Classification: Uncertain significance. Last evaluated: 2025-08-14. Review status: criteria provided, single submitter. Criteria: Ambry Variant Classification Scheme 2023. Collection method: clinical testing. Allele origin: germline.

NM_006084.5(IRF9):c.641C>T (p.Pro214Leu)

Gene: IRF9 (interferon regulatory factor 9; plus strand). Cytogenetic location: 14q12.
Variant type: single nucleotide variant.
Coding change: c.641C>T on transcript NM_006084.5 (MANE Select); coding-DNA position 641, C replaced by T.
Protein change: p.Pro214Leu; replaces proline 214 with leucine.
Molecular consequence: missense variant.
Genome position (GRCh38, 1-based): chr14:24,164,126, C>T. VCF-style: chr14-24164126-C-T. GRCh37 (hg19) VCF-style: chr14-24633335-C-T.
Other names: c.641C>T, p.Pro214Leu (NM_001385400.1, NM_001385401.1, NM_001385402.1); c.641C>T (NM_006084.4); short protein forms P214L.
Identifiers: ClinVar variation 1483874 (VCV001483874.9), dbSNP rs200167126, ClinGen allele CA7126509.